The following is an entry in ClinVar:

NM_006231.4(POLE):c.1066C>A (p.Pro356Thr)

Gene: POLE (DNA polymerase epsilon, catalytic subunit; minus strand). Cytogenetic location: 12q24.33.
Variant type: single nucleotide variant.
Coding change: c.1066C>A on transcript NM_006231.4 (MANE Select); coding-DNA position 1066, C replaced by A.
Protein change: p.Pro356Thr; replaces proline 356 with threonine.
Molecular consequence: missense variant.
Genome position (GRCh38, 1-based): chr12:132,675,775, G>T on the plus strand (C>A on the coding strand, the complement: POLE is on the minus strand). VCF-style: chr12-132675775-G-T. GRCh37 (hg19) VCF-style: chr12-133252361-G-T.
Other names: short protein forms P356T.
Identifiers: ClinVar variation 1039377 (VCV001039377.8), dbSNP rs1555229220, ClinGen allele CA387361515.

ClinVar aggregate classification (germline): Uncertain significance (1 of 4 stars; one submission).

Submission:

Labcorp Genetics (formerly Invitae), Labcorp
Classification: Uncertain significance. Last evaluated: 2023-09-20. Review status: criteria provided, single submitter. Criteria: Invitae Variant Classification Sherloc (09022015). Collection method: clinical testing. Allele origin: germline.
Comment: In summary, the available evidence is currently insufficient to determine the role of this variant in disease. Therefore, it has been classified as a Variant of Uncertain Significance. Advanced modeling of protein sequence and biophysical properties (such as structural, functional, and spatial information, amino acid conservation, physicochemical variation, residue mobility, and thermodynamic stability) performed at Invitae indicates that this missense variant is expected to disrupt POLE protein function. ClinVar contains an entry for this variant (Variation ID: 1039377). This variant has not been reported in the literature in individuals affected with POLE-related conditions. This variant is not present in population databases (gnomAD no frequency). This sequence change replaces proline, which is neutral and non-polar, with threonine, which is neutral and polar, at codon 356 of the POLE protein (p.Pro356Thr).